The following is an entry in ClinVar:

NM_001081.4(CUBN):c.349-6T>A

Gene: CUBN (cubilin; minus strand). Cytogenetic location: 10p13.
Variant type: single nucleotide variant.
Coding change: c.349-6T>A on transcript NM_001081.4 (MANE Select); 6 bases into the intron before coding-DNA position 349, T replaced by A.
Molecular consequence: intron variant.
Genome position (GRCh38, 1-based): chr10:17,126,805, A>T on the plus strand (T>A on the coding strand, the complement: CUBN is on the minus strand). VCF-style: chr10-17126805-A-T. GRCh37 (hg19) VCF-style: chr10-17168804-A-T.
Identifiers: ClinVar variation 2683099 (VCV002683099.3), dbSNP rs1837201696, ClinGen allele CA468307229.

ClinVar aggregate classification (germline): Conflicting classifications of pathogenicity. Review status: criteria provided, conflicting classifications (1 of 4 stars). 2 submissions from 2 submitters: Pathogenic (1); Uncertain significance (1). Last evaluated 2024-12-16.

Conditions:
Imerslund-Grasbeck syndrome. Also called: ENTEROCYTE COBALAMIN MALABSORPTION; ENTEROCYTE INTRINSIC FACTOR RECEPTOR, DEFECT OF; PERNICIOUS ANEMIA, JUVENILE, DUE TO SELECTIVE INTESTINAL MALABSORPTION OF VITAMIN B12, WITH PROTEINURIA; Imerslund-Gräsbeck syndrome; Megaloblastic anemia due to inborn errors of metabolism. Identifiers: Orphanet 35858, MedGen C4551825, MONDO:0009853.

Allele frequency attached by ClinVar (database versions not stated): gnomAD exomes below 0.00001; TOPMed below 0.00001.
gnomAD v4.1: 1 of 1,614,160 alleles (0.000062%); highest among the groups gnomAD compares: Non-Finnish European, 0.000085%; no homozygotes.

Submissions (2):

Labcorp Genetics (formerly Invitae), Labcorp
Classification: Pathogenic for Imerslund-Grasbeck syndrome. Last evaluated: 2024-12-16. Review status: criteria provided, single submitter. Criteria: Invitae Variant Classification Sherloc (09022015). Collection method: clinical testing. Allele origin: germline.
Comment: This sequence change falls in intron 3 of the CUBN gene. It does not directly change the encoded amino acid sequence of the CUBN protein. This variant is not present in population databases (gnomAD no frequency). This variant has been observed in individual(s) with CUBN-related conditions and/or Imerslund-Gräsbeck syndrome (external communication, internal data). In at least one individual the data is consistent with being in trans (on the opposite chromosome) from a pathogenic variant. It has also been observed to segregate with disease in related individuals. ClinVar contains an entry for this variant (Variation ID: 2683099). Algorithms developed to predict the effect of sequence changes on RNA splicing suggest that this variant may disrupt the consensus splice site. For these reasons, this variant has been classified as Pathogenic.

Mayo Clinic Laboratories, Mayo Clinic
Classification: Uncertain significance. Last evaluated: 2023-01-06. Review status: criteria provided, single submitter. Criteria: ACMG Guidelines, 2015. Collection method: clinical testing. Allele origin: germline. Observed: 1 variant allele.
Comment: PP3, PM2